The following is an entry in ClinVar:

NM_001271696.3(ABCB7):c.2225A>G (p.Asn742Ser)

Gene: ABCB7 (ATP binding cassette subfamily B member 7; minus strand). Cytogenetic location: Xq13.3.
Variant type: single nucleotide variant.
Coding change: c.2225A>G on transcript NM_001271696.3 (MANE Select); coding-DNA position 2225, A replaced by G.
Protein change: p.Asn742Ser; replaces asparagine 742 with serine.
Molecular consequence: missense variant.
Genome position (GRCh38, 1-based): chrX:75,053,404, T>C on the plus strand (A>G on the coding strand, the complement: ABCB7 is on the minus strand). VCF-style: chrX-75053404-T-C. GRCh37 (hg19) VCF-style: chrX-74273239-T-C.
Other names: c.2105A>G, p.Asn702Ser (NM_001271697.3); c.2147A>G, p.Asn716Ser (NM_001271698.3); c.2108A>G, p.Asn703Ser (NM_001271699.3); c.2228A>G, p.Asn743Ser (NM_004299.6); short protein forms N702S, N716S, N742S, N743S, N703S.
Identifiers: ClinVar variation 3293004 (VCV003293004.3).
Genomic context (GRCh38, chrX:75,053,404, plus strand): 5'-CAAAAAAAGAAAATGTCTTATGTGACTTAGCACGAACAGTTTCCACAGCCTTTCACACTA[T>C]TGACAATTTCTTCTTGTAGTTTCTTTCTTTCCTCCTCTTTGGATATATTTTCTTTCTTTG-3'
Protein context (NP_001258625.1, residues 732-752): ERKKLQEEIV[Asn742Ser]SVKGCGNCSC

ClinVar aggregate classification (germline): Conflicting classifications of pathogenicity. Review status: criteria provided, conflicting classifications (1 of 4 stars). 2 submissions from 2 submitters: Uncertain significance (1); Likely benign (1). Last evaluated 2026-06-01.

Conditions:
Inborn genetic diseases. Identifiers: MedGen C0950123, MeSH D030342.

gnomAD v4.1: 13 of 1,210,049 alleles (0.0011%); highest among the groups gnomAD compares: African/African-American, 0.007%; no homozygotes.

Submissions (2):

CeGaT Center for Human Genetics Tuebingen
Classification: Likely benign. Last evaluated: 2026-06-01. Review status: criteria provided, single submitter. Criteria: CeGaT Center For Human Genetics Tuebingen Variant Classification Criteria Version 2. Collection method: clinical testing. Allele origin: germline. Affected: yes. Observed: 1 variant allele.
Comment: ABCB7: BP4, BS2

Ambry Genetics
Classification: Uncertain significance for Inborn genetic diseases. Last evaluated: 2024-04-16. Review status: criteria provided, single submitter. Criteria: Ambry Variant Classification Scheme 2023. Collection method: clinical testing. Allele origin: germline.